The following is an entry in ClinVar:

ClinVar aggregate classification (germline): Uncertain significance (1 of 4 stars; one submission).

Allele frequency attached by ClinVar (database versions not stated): gnomAD 0.00001.
gnomAD v4.1: 6 of 1,613,296 alleles (0.00037%); highest among the groups gnomAD compares: African/African-American, 0.0027%; no homozygotes.

Submission:

GeneDx
Classification: Uncertain significance. Last evaluated: 2022-04-12. Review status: criteria provided, single submitter. Criteria: GeneDx Variant Classification Process June 2021. Collection method: clinical testing. Allele origin: germline. Affected: yes.
Comment: Not observed at significant frequency in large population cohorts (gnomAD); In silico analysis supports that this missense variant does not alter protein structure/function; Has not been previously published as pathogenic or benign to our knowledge

NM_005422.4(TECTA):c.5248G>C (p.Glu1750Gln)

Genes: TBCEL-TECTA (TBCEL-TECTA readthrough; plus strand), TECTA (tectorin alpha; plus strand). Cytogenetic location: 11q23.3.
Variant type: single nucleotide variant.
Coding change: c.5248G>C on transcript NM_005422.4 (MANE Select); coding-DNA position 5248, G replaced by C.
Protein change: p.Glu1750Gln; replaces glutamic acid 1750 with glutamine.
Molecular consequence: missense variant.
Genome position (GRCh38, 1-based): chr11:121,162,346, G>C. VCF-style: chr11-121162346-G-C. GRCh37 (hg19) VCF-style: chr11-121033055-G-C.
Other names: c.6190G>C, p.Glu2064Gln (NM_001378761.1); short protein forms E1750Q, E2064Q.
Identifiers: ClinVar variation 1710866 (VCV001710866.2), dbSNP rs769559125, ClinGen allele CA6327682.